The following is an entry in ClinVar:

ClinVar aggregate classification (germline): Likely benign. Review status: criteria provided, multiple submitters, no conflicts (2 of 4 stars). 3 submissions from 3 submitters: Likely benign (2). 1 of the submissions does not count toward it. Last evaluated 2024-12-07.

Conditions:
ARID1B-Related Disorder. Identifiers: MedGen CN381337.

Allele frequency attached by ClinVar (database versions not stated): gnomAD exomes 0.00004; ExAC 0.00005; TOPMed 0.00005; gnomAD 0.00006; ESP Exome Variant Server 0.00008.
gnomAD v4.1: 68 of 1,614,076 alleles (0.0042%); highest among the groups gnomAD compares: Admixed American, 0.012%; no homozygotes.

Submissions (3):

Labcorp Genetics (formerly Invitae), Labcorp
Classification: Likely benign. Last evaluated: 2024-12-07. Review status: criteria provided, single submitter. Criteria: Invitae Variant Classification Sherloc (09022015). Collection method: clinical testing. Allele origin: germline.

Blueprint Genetics
Classification: Likely benign. Last evaluated: 2022-01-20. Review status: criteria provided, single submitter. Criteria: ACMG Guidelines, 2015. Collection method: clinical testing. Allele origin: germline.

PreventionGenetics, part of Exact Sciences
Classification: Likely benign for ARID1B-related condition. Last evaluated: 2019-10-28. Review status: no assertion criteria provided. Collection method: clinical testing. Allele origin: germline. Not counted in ClinVar's aggregate classification.
Comment: This variant is classified as likely benign based on ACMG/AMP sequence variant interpretation guidelines (Richards et al. 2015 PMID: 25741868, with internal and published modifications).

NM_001374828.1(ARID1B):c.3663G>A (p.Leu1221=)

Gene: ARID1B (AT-rich interaction domain 1B; plus strand). Cytogenetic location: 6q25.3.
Variant type: single nucleotide variant.
Coding change: c.3663G>A on transcript NM_001374828.1 (MANE Select); coding-DNA position 3663, G replaced by A.
Protein change: p.Leu1221=; no amino-acid change (leucine 1221 retained).
Molecular consequence: synonymous variant.
Genome position (GRCh38, 1-based): chr6:157,181,127, G>A. VCF-style: chr6-157181127-G-A. GRCh37 (hg19) VCF-style: chr6-157502261-G-A.
Other names: c.3414G>A, p.Leu1138= (NM_001346813.1); c.1164G>A, p.Leu388= (NM_001363725.2); c.3543G>A, p.Leu1181= (NM_001371656.1, NM_001374820.1); c.3504G>A, p.Leu1168= (NM_017519.3); c.3294G>A, p.Leu1098= (NM_020732.3); c.3081G>A, p.Leu1027= (NM_175863.2).
Identifiers: ClinVar variation 2721685 (VCV002721685.6), dbSNP rs376995038, ClinGen allele CA4067369.